The following is an entry in ClinVar:

NM_007215.4(POLG2):c.272T>C (p.Leu91Pro)

Genes: MILR1 (mast cell immunoglobulin like receptor 1; plus strand), POLG2 (DNA polymerase gamma 2, accessory subunit; minus strand). Cytogenetic location: 17q23.3.
Variant type: single nucleotide variant.
Coding change: c.272T>C on transcript NM_007215.4 (MANE Select); coding-DNA position 272, T replaced by C.
Protein change: p.Leu91Pro; replaces leucine 91 with proline.
Molecular consequence: missense variant.
Genome position (GRCh38, 1-based): chr17:64,496,697, A>G on the plus strand (T>C on the coding strand, the complement: POLG2 is on the minus strand). VCF-style: chr17-64496697-A-G. GRCh37 (hg19) VCF-style: chr17-62492815-A-G.
Other names: short protein forms L91P.
Identifiers: ClinVar variation 3679702 (VCV003679702.2).

ClinVar aggregate classification (germline): Uncertain significance (1 of 4 stars; one submission).

Submission:

Labcorp Genetics (formerly Invitae), Labcorp
Classification: Uncertain significance. Last evaluated: 2024-12-10. Review status: criteria provided, single submitter. Criteria: Invitae Variant Classification Sherloc (09022015). Collection method: clinical testing. Allele origin: germline.
Comment: This sequence change replaces leucine, which is neutral and non-polar, with proline, which is neutral and non-polar, at codon 91 of the POLG2 protein (p.Leu91Pro). This variant is not present in population databases (gnomAD no frequency). This variant has not been reported in the literature in individuals affected with POLG2-related conditions. An algorithm developed to predict the effect of missense changes on protein structure and function (PolyPhen-2) suggests that this variant is likely to be disruptive. In summary, the available evidence is currently insufficient to determine the role of this variant in disease. Therefore, it has been classified as a Variant of Uncertain Significance.